The following is an entry in ClinVar:

NM_001942.4(DSG1):c.2729_2730delinsGA (p.Thr910Arg)

Genes: DSG1 (desmoglein 1; plus strand), DSG1-AS1 (DSG1 antisense RNA 1; minus strand). Cytogenetic location: 18q12.1.
Variant type: Indel.
Coding change: c.2729_2730delinsGA on transcript NM_001942.4 (MANE Select); coding-DNA positions 2729 to 2730, CT replaced by GA.
Protein change: p.Thr910Arg; replaces threonine 910 with arginine.
Molecular consequence: missense variant.
Genome position (GRCh38, 1-based): chr18:31,354,925-31,354,926, CT replaced by GA. VCF-style: chr18-31354925-CT-GA. GRCh37 (hg19) VCF-style: chr18-28934888-CT-GA.
Other names: short protein forms T910R.
Identifiers: ClinVar variation 1399152 (VCV001399152.6), dbSNP rs2144127995, ClinGen allele CA2573155221.
Genomic context (GRCh38, chr18:31,354,925, plus strand): 5'-CGAATGTTATAGTGACAGAAAGGGTAATAGCACCAAGCTCTAGTCTACCCACCTCTCTGA[CT>GA]ATCCATCATCCTAGAGAGTCTTCAAATGTGGTAGTGACAGAAAGAGTAATCCAACCAACT-3'
Protein context (NP_001933.2, residues 900-920): APSSSLPTSL[Thr910Arg]IHHPRESSNV

ClinVar aggregate classification (germline): Uncertain significance (1 of 4 stars; one submission).

Submission:

Labcorp Genetics (formerly Invitae), Labcorp
Classification: Uncertain significance. Last evaluated: 2023-08-04. Review status: criteria provided, single submitter. Criteria: Invitae Variant Classification Sherloc (09022015). Collection method: clinical testing. Allele origin: germline.
Comment: In summary, the available evidence is currently insufficient to determine the role of this variant in disease. Therefore, it has been classified as a Variant of Uncertain Significance. This variant, c.2729_2730delinsGA, is a complex sequence change that results in the deletion of 1 and insertion of 1 amino acid(s) in the DSG1 protein (p.Thr910Arg). Information on the frequency of this variant in the gnomAD database is not available, as this variant may be reported differently in the database. This variant has not been reported in the literature in individuals affected with DSG1-related conditions. ClinVar contains an entry for this variant (Variation ID: 1399152). An algorithm developed to predict the effect of missense changes on protein structure and function (PolyPhen-2) suggests that this variant is likely to be disruptive.